The following is an entry in ClinVar:

NM_002180.3(IGHMBP2):c.2387C>T (p.Pro796Leu)

Gene: IGHMBP2 (immunoglobulin mu DNA binding protein 2; plus strand). Cytogenetic location: 11q13.3.
Variant type: single nucleotide variant.
Coding change: c.2387C>T on transcript NM_002180.3 (MANE Select); coding-DNA position 2387, C replaced by T.
Protein change: p.Pro796Leu; replaces proline 796 with leucine.
Molecular consequence: missense variant.
Genome position (GRCh38, 1-based): chr11:68,936,867, C>T. VCF-style: chr11-68936867-C-T. GRCh37 (hg19) VCF-style: chr11-68704335-C-T.
Other names: short protein forms P796L.
Identifiers: ClinVar variation 1790505 (VCV001790505.3), dbSNP rs765817506, ClinGen allele CA6153901.

ClinVar aggregate classification (germline): Uncertain significance. Review status: criteria provided, multiple submitters, no conflicts (2 of 4 stars). 2 submissions from 2 submitters: Uncertain significance (2). Last evaluated 2025-04-21.

Conditions:
Inborn genetic diseases. Identifiers: MedGen C0950123, MeSH D030342.
Autosomal recessive distal spinal muscular atrophy 1. Also called: HMN VI; NEURONOPATHY, SEVERE INFANTILE AXONAL, WITH RESPIRATORY FAILURE; SEVERE INFANTILE AXONAL NEUROPATHY WITH RESPIRATORY FAILURE; SPINAL MUSCULAR ATROPHY, DIAPHRAGMATIC; Spinal muscular atrophy with respiratory distress 1; NEURONOPATHY, DISTAL HEREDITARY MOTOR, HARDING TYPE VI. Identifiers: Orphanet 98920, MedGen C1858517, MONDO:0011436, OMIM 604320.
Charcot-Marie-Tooth disease axonal type 2S. Also called: CHARCOT-MARIE-TOOTH DISEASE, AXONAL, AUTOSOMAL RECESSIVE, TYPE 2S; CHARCOT-MARIE-TOOTH NEUROPATHY, TYPE 2S. Identifiers: Orphanet 443073, MedGen C4015349, MONDO:0014511, OMIM 616155.

Allele frequency attached by ClinVar (database versions not stated): ExAC 0.00001.
gnomAD v4.1: 3 of 1,612,332 alleles (0.00019%); highest among the groups gnomAD compares: Non-Finnish European, 0.00025%; no homozygotes.

Submissions (2):

Labcorp Genetics (formerly Invitae), Labcorp
Classification: Uncertain significance for Autosomal recessive distal spinal muscular atrophy 1; Charcot-Marie-Tooth disease axonal type 2S. Last evaluated: 2025-04-21. Review status: criteria provided, single submitter. Criteria: Invitae Variant Classification Sherloc (09022015). Collection method: clinical testing. Allele origin: germline.
Comment: This sequence change replaces proline, which is neutral and non-polar, with leucine, which is neutral and non-polar, at codon 796 of the IGHMBP2 protein (p.Pro796Leu). The frequency data for this variant in the population databases is considered unreliable, as metrics indicate poor data quality at this position in the gnomAD database. This variant has not been reported in the literature in individuals affected with IGHMBP2-related conditions. ClinVar contains an entry for this variant (Variation ID: 1790505). Invitae Evidence Modeling of protein sequence and biophysical properties (such as structural, functional, and spatial information, amino acid conservation, physicochemical variation, residue mobility, and thermodynamic stability) indicates that this missense variant is not expected to disrupt IGHMBP2 protein function with a negative predictive value of 95%. In summary, the available evidence is currently insufficient to determine the role of this variant in disease. Therefore, it has been classified as a Variant of Uncertain Significance.

Ambry Genetics
Classification: Uncertain significance for Inborn genetic diseases. Last evaluated: 2021-04-11. Review status: criteria provided, single submitter. Criteria: Ambry Variant Classification Scheme 2023. Collection method: clinical testing. Allele origin: germline.
Comment: The p.P796L variant (also known as c.2387C>T), located in coding exon 13 of the IGHMBP2 gene, results from a C to T substitution at nucleotide position 2387. The proline at codon 796 is replaced by leucine, an amino acid with similar properties. This amino acid position is well conserved in available vertebrate species. In addition, this alteration is predicted to be tolerated by in silico analysis. Since supporting evidence is limited at this time, the clinical significance of this alteration remains unclear.